The following is an entry in ClinVar:

ClinVar aggregate classification (germline): Uncertain significance. Review status: criteria provided, multiple submitters, no conflicts (2 of 4 stars). 4 submissions from 4 submitters: Uncertain significance (4). Last evaluated 2024-11-27.

Conditions:
Inborn genetic diseases. Identifiers: MedGen C0950123, MeSH D030342.
Autosomal recessive limb-girdle muscular dystrophy type 2Y (MRRSDC). Also called: Muscular dystrophy, limb-girdle, type 2y; Muscular dystrophy, autosomal recessive, with rigid spine and distal joint contractures. Identifiers: Orphanet 424261, MedGen C4511482, MONDO:0014900, OMIM 617072.

Allele frequency attached by ClinVar (database versions not stated): gnomAD 0.00011 and 0.00010; gnomAD exomes 0.00001; TOPMed 0.00007; ESP Exome Variant Server 0.00015.
gnomAD v4.1: 21 of 1,614,068 alleles (0.0013%); highest among the groups gnomAD compares: African/African-American, 0.027%; no homozygotes.

Submissions (4):

Ambry Genetics
Classification: Uncertain significance for Inborn genetic diseases. Last evaluated: 2024-11-27. Review status: criteria provided, single submitter. Criteria: Ambry Variant Classification Scheme 2023. Collection method: clinical testing. Allele origin: germline.

Genome-Nilou Lab
Classification: Uncertain significance for Autosomal recessive limb-girdle muscular dystrophy type 2Y. Last evaluated: 2023-04-11. Review status: criteria provided, single submitter. Criteria: ACMG Guidelines, 2015. Collection method: clinical testing. Allele origin: germline. Affected: no.

Labcorp Genetics (formerly Invitae), Labcorp
Classification: Uncertain significance for Autosomal recessive limb-girdle muscular dystrophy type 2Y. Last evaluated: 2022-07-11. Review status: criteria provided, single submitter. Criteria: Invitae Variant Classification Sherloc (09022015). Collection method: clinical testing. Allele origin: germline.
Comment: In summary, the available evidence is currently insufficient to determine the role of this variant in disease. Therefore, it has been classified as a Variant of Uncertain Significance. Algorithms developed to predict the effect of missense changes on protein structure and function output the following: SIFT: "Tolerated"; PolyPhen-2: "Benign"; Align-GVGD: "Class C0". The histidine amino acid residue is found in multiple mammalian species, which suggests that this missense change does not adversely affect protein function. ClinVar contains an entry for this variant (Variation ID: 961529). This variant has not been reported in the literature in individuals affected with TOR1AIP1-related conditions. This variant is present in population databases (rs139364730, gnomAD 0.04%). This sequence change replaces glutamine, which is neutral and polar, with histidine, which is basic and polar, at codon 381 of the TOR1AIP1 protein (p.Gln381His).

Revvity Omics, Revvity
Classification: Uncertain significance. Last evaluated: 2019-11-14. Review status: criteria provided, single submitter. Criteria: ACMG Guidelines, 2015. Collection method: clinical testing. Allele origin: germline.

NM_015602.4(TOR1AIP1):c.1140A>C (p.Gln380His)

Gene: TOR1AIP1 (torsin 1A interacting protein 1; plus strand). Cytogenetic location: 1q25.2.
Variant type: single nucleotide variant.
Coding change: c.1140A>C on transcript NM_015602.4 (MANE Select); coding-DNA position 1140, A replaced by C.
Protein change: p.Gln380His; replaces glutamine 380 with histidine.
Molecular consequence: missense variant.
Genome position (GRCh38, 1-based): chr1:179,917,627, A>C. VCF-style: chr1-179917627-A-C. GRCh37 (hg19) VCF-style: chr1-179886762-A-C.
Other names: c.1143A>C, p.Gln381His (NM_001267578.2); c.1140A>C (NM_015602.2); short protein forms Q380H, Q381H.
Identifiers: ClinVar variation 961529 (VCV000961529.12), dbSNP rs139364730, ClinGen allele CA1269096.